The following is an entry in ClinVar:

ClinVar aggregate classification (germline): Conflicting classifications of pathogenicity. Review status: criteria provided, conflicting classifications (1 of 4 stars). 2 submissions from 2 submitters: Uncertain significance (1); Likely benign (1). Last evaluated 2026-05-19.

Conditions:
Hereditary breast ovarian cancer syndrome. Also called: Hereditary breast and/or ovarian cancer syndrome; BRCA1- and BRCA2-Associated Hereditary Breast and Ovarian Cancer; Hereditary breast and ovarian cancer syndrome; Hereditary breast and ovarian cancer; Hereditary breast and ovarian cancer syndrome (HBOC); Breast and ovarian cancer. Identifiers: Orphanet 145, MedGen C0677776, MeSH D061325, MONDO:0003582. Disease mechanism: loss of function.
Hereditary cancer-predisposing syndrome. Also called: Tumor predisposition; Hereditary Cancer Syndrome; Hereditary neoplastic syndrome; Neoplastic Syndromes, Hereditary. Identifiers: Orphanet 140162, MedGen C0027672, MeSH D009386, MONDO:0015356.

Submissions (3):

Ambry Genetics
Classification: Likely benign for Hereditary cancer-predisposing syndrome. Last evaluated: 2026-05-19. Review status: criteria provided, single submitter. Criteria: Ambry Variant Classification Scheme 2023. Collection method: clinical testing. Allele origin: germline.

Labcorp Genetics (formerly Invitae), Labcorp
Classification: Uncertain significance for Hereditary breast ovarian cancer syndrome. Last evaluated: 2025-12-13. Review status: criteria provided, single submitter. Criteria: Invitae Variant Classification Sherloc (09022015). Collection method: clinical testing. Allele origin: germline.
Comment: This sequence change replaces proline, which is neutral and non-polar, with serine, which is neutral and polar, at codon 1812 of the BRCA1 protein (p.Pro1812Ser). This variant is not present in population databases (gnomAD no frequency). This missense change has been observed in individual(s) with BRCA1-related conditions (PMID: 10196379). This variant is also known as C5553T. ClinVar contains an entry for this variant (Variation ID: 865501). Invitae Evidence Modeling incorporating data from in vitro experimental studies (PMID: 30209399) indicates that this missense variant is not expected to disrupt BRCA1 function with a negative predictive value of 95%. Experimental studies have shown that this missense change affects BRCA1 function (PMID: 12496477). This variant disrupts the p.Pro1812 amino acid residue in BRCA1. Other variant(s) that disrupt this residue have been determined to be pathogenic (PMID: 14517958, 17020472, 17453335, 20522429, 27495310, 29470806). This suggests that this residue is clinically significant, and that variants that disrupt this residue are likely to be disease-causing. In summary, the available evidence is currently insufficient to determine the role of this variant in disease. Therefore, it has been classified as a Variant of Uncertain Significance.

Brotman Baty Institute, University of Washington
No classification provided (evidence only). Condition: Breast-ovarian cancer, familial 1. Review status: no classification provided. Collection method: in vitro. Allele origin: not applicable. Functional consequence: functionally_normal. Not counted in ClinVar's aggregate classification.
ClinVar note: "not provided" was previously submitted as the classification for the variant. However, the classification appeared to be based only on an observation of functional data so it was converted to no classification on 2025-07-30.

Literature cited by the submitters: PubMed 10196379 (cited by Labcorp Genetics (formerly Invitae), Labcorp); PubMed 30209399 (cited by Labcorp Genetics (formerly Invitae), Labcorp); PubMed 12496477 (cited by Labcorp Genetics (formerly Invitae), Labcorp); PubMed 14517958 (cited by Labcorp Genetics (formerly Invitae), Labcorp); PubMed 17020472 (cited by Labcorp Genetics (formerly Invitae), Labcorp); PubMed 17453335 (cited by Labcorp Genetics (formerly Invitae), Labcorp); PubMed 20522429 (cited by Labcorp Genetics (formerly Invitae), Labcorp); PubMed 27495310 (cited by Labcorp Genetics (formerly Invitae), Labcorp); PubMed 29470806 (cited by Labcorp Genetics (formerly Invitae), Labcorp).

NM_007294.4(BRCA1):c.5434C>T (p.Pro1812Ser)

Gene: BRCA1 (BRCA1 DNA repair associated; minus strand). Cytogenetic location: 17q21.31.
Variant type: single nucleotide variant.
Coding change: c.5434C>T on transcript NM_007294.4 (MANE Select); coding-DNA position 5434, C replaced by T.
Protein change: p.Pro1812Ser; replaces proline 1812 with serine.
Molecular consequence: missense variant. On other transcripts: non-coding transcript variant (1).
Genome position (GRCh38, 1-based): chr17:43,047,676, G>A on the plus strand (C>T on the coding strand, the complement: BRCA1 is on the minus strand). VCF-style: chr17-43047676-G-A. GRCh37 (hg19) VCF-style: chr17-41199693-G-A.
Other names: c.5308C>T, p.Pro1770Ser (NM_001407672.1, NM_001407673.1, NM_001407670.1 and 8 more transcripts); c.5305C>T, p.Pro1769Ser (NM_001407684.1, NM_001407685.1, NM_001407686.1 and 6 more transcripts); c.5302C>T, p.Pro1768Ser (NM_001407690.1, NM_001407691.1); c.5293C>T, p.Pro1765Ser (NM_001407692.1, NM_001407729.1, NM_001407730.1 and 12 more transcripts); c.5290C>T, p.Pro1764Ser (NM_001407732.1, NM_001407733.1, NM_001407734.1 and 18 more transcripts); c.5287C>T, p.Pro1763Ser (NM_001407838.1, NM_001407839.1, NM_001407841.1 and 12 more transcripts); c.5360C>T, p.Ala1787Val (NM_001407854.1); c.5357C>T, p.Ala1786Val (NM_001407858.1, NM_001407859.1, NM_001407860.1); and 83 more; short protein forms P708S, P1765S, P1812S, A683V, P1833S, A1746V, A1786V, A1787V.
Identifiers: ClinVar variation 865501 (VCV000865501.5), dbSNP rs1800751, ClinGen allele CA10590560.